The following is an entry in ClinVar:

NM_172362.3(KCNH1):c.1463-7C>G

Gene: KCNH1 (potassium voltage-gated channel subfamily H member 1; minus strand). Cytogenetic location: 1q32.2.
Variant type: single nucleotide variant.
Coding change: c.1463-7C>G on transcript NM_172362.3 (MANE Select); 7 bases into the intron before coding-DNA position 1463, C replaced by G.
Molecular consequence: intron variant.
Genome position (GRCh38, 1-based): chr1:210,804,173, G>C on the plus strand (C>G on the coding strand, the complement: KCNH1 is on the minus strand). VCF-style: chr1-210804173-G-C. GRCh37 (hg19) VCF-style: chr1-210977515-G-C.
Other names: c.1382-7C>G (NM_002238.4).
Identifiers: ClinVar variation 2811719 (VCV002811719.3), dbSNP rs2526826895, ClinGen allele CA2739275615.
Genomic context (GRCh38, chr1:210,804,173, plus strand): 5'-ACATCTGTTGGAAAATAGTCGTCACATTCCCGAAGATGGTGGCATAGAGAAGTGCTAGAG[G>C]TGAGGAGGAGGAGCAAAAGAAGAAATAACAAGTTAGTGGTCCCTGAGCCAGGGTTCCAGA-3'

ClinVar aggregate classification (germline): Uncertain significance (1 of 4 stars; one submission).

Submission:

Labcorp Genetics (formerly Invitae), Labcorp
Classification: Uncertain significance. Last evaluated: 2022-11-07. Review status: criteria provided, single submitter. Criteria: Invitae Variant Classification Sherloc (09022015). Collection method: clinical testing. Allele origin: germline.
Comment: In summary, the available evidence is currently insufficient to determine the role of this variant in disease. Therefore, it has been classified as a Variant of Uncertain Significance. Algorithms developed to predict the effect of sequence changes on RNA splicing suggest that this variant may disrupt the consensus splice site. This variant has not been reported in the literature in individuals affected with KCNH1-related conditions. This variant is not present in population databases (gnomAD no frequency). This sequence change falls in intron 7 of the KCNH1 gene. It does not directly change the encoded amino acid sequence of the KCNH1 protein.